The following is an entry in ClinVar:

ClinVar aggregate classification (germline): Pathogenic (1 of 4 stars; one submission).

Conditions:
Orofacial cleft 6, susceptibility to (OFC6). Also called: CLEFT LIP WITH OR WITHOUT CLEFT PALATE, NONSYNDROMIC, 6. Identifiers: MedGen C1837213, MONDO:0012141, OMIM 608864.
Popliteal pterygium syndrome (PPS). Identifiers: Orphanet 294963, MedGen C0265259, MONDO:0017435.
Van der Woude syndrome. Identifiers: Orphanet 888, MedGen C0175697, MONDO:0019508.

Submission:

Labcorp Genetics (formerly Invitae), Labcorp
Classification: Pathogenic for Orofacial cleft 6, susceptibility to; Van der Woude syndrome; Popliteal pterygium syndrome. Last evaluated: 2016-09-29. Review status: criteria provided, single submitter. Criteria: Invitae Variant Classification Sherloc (09022015). Collection method: clinical testing. Allele origin: germline.
Comment: For these reasons, this variant has been classified as Pathogenic. Loss-of-function variants in IRF6 are known to be pathogenic. Similar gross deletions encompassing exon 3 have been reported in the literature in individuals affected with Van der Woude syndrome (PMID: 25579819). This variant is a gross deletion of the genomic region encompassing exon 3 of the IRF6 gene, which includes the initiator codon. The 5' end of this event is unknown as it extends beyond the assayed region for this gene and therefore may encompass additional genes. The 3' boundary is likely confined to intron 3 of the IRF6 gene. This is expected to result in an absent or disrupted protein product.

Literature cited by the submitters: PubMed 25579819.

NC_000001.10:g.(?_209974565)_(209974778_?)del

Gene: IRF6 (interferon regulatory factor 6; minus strand). Cytogenetic location: 1q32.2.
Variant type: Deletion.
Identifiers: ClinVar variation 1070384 (VCV001070384.8).